The following is an entry in ClinVar:

NM_033380.3(COL4A5):c.868G>T (p.Glu290Ter)

Gene: COL4A5 (collagen type IV alpha 5 chain; plus strand). Cytogenetic location: Xq22.3.
Variant type: single nucleotide variant.
Coding change: c.868G>T on transcript NM_033380.3 (MANE Select); coding-DNA position 868, G replaced by T.
Protein change: p.Glu290Ter; replaces glutamic acid 290 with a stop codon.
Molecular consequence: nonsense.
Genome position (GRCh38, 1-based): chrX:108,580,715, G>T. VCF-style: chrX-108580715-G-T. GRCh37 (hg19) VCF-style: chrX-107823945-G-T.
Other names: c.868G>T, p.Glu290Ter (NM_000495.5); short protein forms E290*.
Identifiers: ClinVar variation 2849746 (VCV002849746.3), dbSNP rs2524245423, ClinGen allele CA413926310.

ClinVar aggregate classification (germline): Pathogenic (1 of 4 stars; one submission).

Submission:

Labcorp Genetics (formerly Invitae), Labcorp
Classification: Pathogenic. Last evaluated: 2023-03-26. Review status: criteria provided, single submitter. Criteria: Invitae Variant Classification Sherloc (09022015). Collection method: clinical testing. Allele origin: germline.
Comment: For these reasons, this variant has been classified as Pathogenic. This variant has not been reported in the literature in individuals affected with COL4A5-related conditions. This variant is not present in population databases (gnomAD no frequency). This sequence change creates a premature translational stop signal (p.Glu290*) in the COL4A5 gene. It is expected to result in an absent or disrupted protein product. Loss-of-function variants in COL4A5 are known to be pathogenic (PMID: 9195222, 10752524, 14514738, 24854265, 26809805).

Literature cited by the submitters: PubMed 9195222; PubMed 10752524; PubMed 14514738; PubMed 24854265; PubMed 26809805.